The following is an entry in ClinVar:

ClinVar aggregate classification (germline): Likely benign (1 of 4 stars; one submission).

Allele frequency attached by ClinVar (database versions not stated): gnomAD 0.01992 and 0.02129; TOPMed 0.02336; 1000 Genomes Project 30x 0.04029; 1000 Genomes Project 0.04253.
gnomAD v4.1: 3,322 of 152,256 alleles (2.2%); highest among the groups gnomAD compares: East Asian, 8.3%; 69 homozygotes.

Submission:

GeneDx
Classification: Likely benign. Last evaluated: 2018-06-19. Review status: criteria provided, single submitter. Criteria: GeneDx Variant Classification (06012015). Collection method: clinical testing. Allele origin: germline. Affected: yes.
Comment: This variant is considered likely benign or benign based on one or more of the following criteria: it is a conservative change, it occurs at a poorly conserved position in the protein, it is predicted to be benign by multiple in silico algorithms, and/or has population frequency not consistent with disease.

NM_000138.5(FBN1):c.5546-171A>T

Gene: FBN1 (fibrillin 1; minus strand). Cytogenetic location: 15q21.1.
Variant type: single nucleotide variant.
Coding change: c.5546-171A>T on transcript NM_000138.5 (MANE Select); 171 bases into the intron before coding-DNA position 5546, A replaced by T.
Molecular consequence: intron variant.
Genome position (GRCh38, 1-based): chr15:48,449,064, T>A on the plus strand (A>T on the coding strand, the complement: FBN1 is on the minus strand). VCF-style: chr15-48449064-T-A. GRCh37 (hg19) VCF-style: chr15-48741261-T-A.
Identifiers: ClinVar variation 674506 (VCV000674506.1), dbSNP rs75340436, ClinGen allele CA15849942.